The following is an entry in ClinVar:

NM_005422.4(TECTA):c.3103G>A (p.Glu1035Lys)

Genes: TBCEL-TECTA (TBCEL-TECTA readthrough; plus strand), TECTA (tectorin alpha; plus strand). Cytogenetic location: 11q23.3.
Variant type: single nucleotide variant.
Coding change: c.3103G>A on transcript NM_005422.4 (MANE Select); coding-DNA position 3103, G replaced by A.
Protein change: p.Glu1035Lys; replaces glutamic acid 1035 with lysine.
Molecular consequence: missense variant.
Genome position (GRCh38, 1-based): chr11:121,137,582, G>A. VCF-style: chr11-121137582-G-A. GRCh37 (hg19) VCF-style: chr11-121008291-G-A.
Other names: c.4060G>A, p.Glu1354Lys (NM_001378761.1); short protein forms E1035K, E1354K.
Identifiers: ClinVar variation 504679 (VCV000504679.10), dbSNP rs150512674, ClinGen allele CA6327154.
Genomic context (GRCh38, chr11:121,137,582, plus strand): 5'-GAGGGATGTCAGTGTGATGAGGGCTATGCTCTACTGGGCAGCCAGTGTGTCACGCGGAGT[G>A]AGTGTGGCTGCAACTTTGAGGGGCACCAACTTGCCACCAATGAGACCTTCTGGGTGGACC-3'
Protein context (NP_005413.2, residues 1025-1045): LLGSQCVTRS[Glu1035Lys]CGCNFEGHQL

ClinVar aggregate classification (germline): Conflicting classifications of pathogenicity. Review status: criteria provided, conflicting classifications (1 of 4 stars). 4 submissions from 4 submitters: Uncertain significance (3); Benign (1). Last evaluated 2025-09-23.

Conditions:
Inborn genetic diseases. Identifiers: MedGen C0950123, MeSH D030342.

Allele frequency attached by ClinVar (database versions not stated): gnomAD exomes 0.00004 and 0.00005; ExAC 0.00005; ESP Exome Variant Server 0.00023; TOPMed 0.00023; gnomAD 0.00025 and 0.00028; 1000 Genomes Project 0.00040; 1000 Genomes Project 30x 0.00047.
gnomAD v4.1: 91 of 1,614,018 alleles (0.0056%); highest among the groups gnomAD compares: African/African-American, 0.095%; no homozygotes.

Submissions (4):

Labcorp Genetics (formerly Invitae), Labcorp
Classification: Benign. Last evaluated: 2025-09-23. Review status: criteria provided, single submitter. Criteria: Invitae Variant Classification Sherloc (09022015). Collection method: clinical testing. Allele origin: germline.

Ambry Genetics
Classification: Uncertain significance for Inborn genetic diseases. Last evaluated: 2025-01-08. Review status: criteria provided, single submitter. Criteria: Ambry Variant Classification Scheme 2023. Collection method: clinical testing. Allele origin: germline.

GeneDx
Classification: Uncertain significance. Last evaluated: 2024-06-11. Review status: criteria provided, single submitter. Criteria: GeneDx Variant Classification Process June 2021. Collection method: clinical testing. Allele origin: germline. Affected: yes.
Comment: In silico analysis indicates that this missense variant does not alter protein structure/function; Has not been previously published as pathogenic or benign to our knowledge; This variant is associated with the following publications: (PMID: 21520338, 31554319, 9590290)

Laboratory for Molecular Medicine, Mass General Brigham Personalized Medicine
Classification: Uncertain significance. Last evaluated: 2018-01-30. Review status: criteria provided, single submitter. Criteria: LMM Criteria. Collection method: clinical testing. Allele origin: germline. Observed: 1 variant allele.
Comment: The p.Glu1035Lys variant in TECTA has not been previously reported in individual s with hearing loss, but has been identified in 0.07% (17/24016) of African chro mosomes by the Genome Aggregation Database (gnomAD .org; dbSNP rs150512674). Although this variant has been seen in the general pop ulation, its frequency is not high enough to rule out a pathogenic role. Computa tional prediction tools and conservation analyses do not provide strong evidence for or against pathogenicity. In summary, the clinical significance of the p.Gl u1035Lys variant is uncertain. ACMG/AMP Criteria applied: none.